The following is an entry in ClinVar:

NM_004211.5(SLC6A5):c.1910C>T (p.Ala637Val)

Gene: SLC6A5 (solute carrier family 6 member 5; plus strand). Cytogenetic location: 11p15.1.
Variant type: single nucleotide variant.
Coding change: c.1910C>T on transcript NM_004211.5 (MANE Select); coding-DNA position 1910, C replaced by T.
Protein change: p.Ala637Val; replaces alanine 637 with valine.
Molecular consequence: missense variant.
Genome position (GRCh38, 1-based): chr11:20,638,499, C>T. VCF-style: chr11-20638499-C-T. GRCh37 (hg19) VCF-style: chr11-20660045-C-T.
Other names: c.1208C>T, p.Ala403Val (NM_001318369.2); short protein forms A637V, A403V.
Identifiers: ClinVar variation 656330 (VCV000656330.8), dbSNP rs770169307, ClinGen allele CA379918649.

ClinVar aggregate classification (germline): Uncertain significance (1 of 4 stars; one submission).

Conditions:
Hyperekplexia 3 (HKPX3). Also called: HYPEREKPLEXIA 3, AUTOSOMAL RECESSIVE; HYPEREKPLEXIA 3, AUTOSOMAL DOMINANT. Identifiers: Orphanet 3197, MedGen C3553288, MONDO:0013827, OMIM 614618.

Allele frequency attached by ClinVar (database versions not stated): TOPMed 0.00001.
gnomAD v4.1: 17 of 1,613,422 alleles (0.0011%); highest among the groups gnomAD compares: Non-Finnish European, 0.0014%; no homozygotes.

Submission:

Labcorp Genetics (formerly Invitae), Labcorp
Classification: Uncertain significance for Hyperekplexia 3. Last evaluated: 2021-05-03. Review status: criteria provided, single submitter. Criteria: Invitae Variant Classification Sherloc (09022015). Collection method: clinical testing. Allele origin: germline.
Comment: In summary, the available evidence is currently insufficient to determine the role of this variant in disease. Therefore, it has been classified as a Variant of Uncertain Significance. Algorithms developed to predict the effect of missense changes on protein structure and function are either unavailable or do not agree on the potential impact of this missense change (SIFT: "Deleterious"; PolyPhen-2: "Possibly Damaging"; Align-GVGD: "Class C0"). In at least one individual the data is consistent with the variant being in trans (on the opposite chromosome) from a pathogenic variant. This variant is not present in population databases (ExAC no frequency). This sequence change replaces alanine with valine at codon 637 of the SLC6A5 protein (p.Ala637Val). The alanine residue is highly conserved and there is a small physicochemical difference between alanine and valine.